The following is an entry in ClinVar:

ClinVar aggregate classification (germline): Uncertain significance (1 of 4 stars; one submission).

Conditions:
Developmental and epileptic encephalopathy, 25 (DEE25). Also called: Epileptic encephalopathy, early infantile, 25; Developmental and epileptic encephalopathy 25, with amelogenesis imperfecta; Epileptic encephalopathy, early infantile, 25, with amelogenesis imperfecta. Identifiers: Orphanet 442835, MedGen C4014621, MONDO:0014392, OMIM 615905.

Allele frequency attached by ClinVar (database versions not stated): TOPMed below 0.00001; ExAC 0.00001; gnomAD exomes below 0.00001.
gnomAD v4.1: 1 of 1,614,106 alleles (0.000062%); no homozygotes.

Submission:

Broad Center for Mendelian Genomics, Broad Institute of MIT and Harvard
Classification: Uncertain significance for Developmental and epileptic encephalopathy, 25. Last evaluated: 2021-11-02. Review status: criteria provided, single submitter. Criteria: ACMG Guidelines, 2015. Collection method: curation. Allele origin: germline. Inheritance: Autosomal recessive inheritance.
Comment: The p.Tyr82Cys variant in SLC13A5 has been reported in 2 compound heterozygotes with developmental and epileptic encephalopathy (PMID: 26960556), segregated with disease in 1 affected relative from 1 family (PMID: 26960556), and has been identified in .004% (1/25070) of European (Non-Finnish) chromosomes by the Genome Aggregation Database (gnomAD; dbSNP ID: rs548065551). Although this variant has been seen in the general population in a heterozygous state, its frequency is low enough to be consistent with a recessive carrier frequency. In vitro functional studies provide some evidence that the p.Tyr82Cys variant may slightly impact protein function (PMID: 27261973). However, these types of assays may not accurately represent biological function. Computational prediction tools and conservation analyses do not provide strong support for or against an impact to the protein. In summary, the clinical significance of the p.Tyr82Cys variant is uncertain. ACMG/AMP Criteria applied: PM3, PM2_supporting, PS3_supporting (Richards 2015).

Literature cited by the submitters: PubMed 27261973.

NM_177550.5(SLC13A5):c.245A>G (p.Tyr82Cys)

Gene: SLC13A5 (solute carrier family 13 member 5; minus strand). Cytogenetic location: 17p13.1.
Variant type: single nucleotide variant.
Coding change: c.245A>G on transcript NM_177550.5 (MANE Select); coding-DNA position 245, A replaced by G.
Protein change: p.Tyr82Cys; replaces tyrosine 82 with cysteine.
Molecular consequence: missense variant.
Genome position (GRCh38, 1-based): chr17:6,706,765, T>C on the plus strand (A>G on the coding strand, the complement: SLC13A5 is on the minus strand). VCF-style: chr17-6706765-T-C. GRCh37 (hg19) VCF-style: chr17-6610084-T-C.
Other names: NM_177550.5:c.245A>G; c.245A>G, p.Tyr82Cys (NM_001143838.3, NM_001284509.2); c.116A>G, p.Tyr39Cys (NM_001284510.2); short protein forms Y39C, Y82C.
Identifiers: ClinVar variation 1312499 (VCV001312499.2), dbSNP rs747526311, ClinGen allele CA8331793.